The following is an entry in ClinVar:

NM_017534.6(MYH2):c.5641G>A (p.Val1881Met)

Genes: MYHAS (myosin heavy chain gene cluster antisense RNA; plus strand), MYH2 (myosin heavy chain 2; minus strand). Cytogenetic location: 17p13.1.
Variant type: single nucleotide variant.
Coding change: c.5641G>A on transcript NM_017534.6 (MANE Select); coding-DNA position 5641, G replaced by A.
Protein change: p.Val1881Met; replaces valine 1881 with methionine.
Molecular consequence: missense variant.
Genome position (GRCh38, 1-based): chr17:10,523,122, C>T on the plus strand (G>A on the coding strand, the complement: MYH2 is on the minus strand). VCF-style: chr17-10523122-C-T. GRCh37 (hg19) VCF-style: chr17-10426439-C-T.
Other names: c.5641G>A, p.Val1881Met (NM_001100112.2); short protein forms V1881M.
Identifiers: ClinVar variation 851415 (VCV000851415.38), dbSNP rs775106499, ClinGen allele CA8390345.
Genomic context (GRCh38, chr17:10,523,122, plus strand): 5'-TGAGGACTTCAATCTTAAAAATACTTACAGCCTCCTCAGCTTGTCTCTTATAAGATTTCA[C>T]TTTTGCCTGAAGTTTATCTACCAAATCTTGAAGCCTGAGAATATTCTTTCTATCTTCTTC-3'
Protein context (NP_060004.3, residues 1871-1891): QDLVDKLQAK[Val1881Met]KSYKRQAEEA

ClinVar aggregate classification (germline): Uncertain significance. Review status: criteria provided, multiple submitters, no conflicts (2 of 4 stars). 3 submissions from 3 submitters: Uncertain significance (3). Last evaluated 2026-01-07.

Conditions:
MYH2-related disorder. Also called: MYH2-related condition.
Myopathy, proximal, and ophthalmoplegia (CMYO6). Also called: INCLUSION BODY MYOPATHY 3, AUTOSOMAL DOMINANT; CONGENITAL MYOPATHY 6 WITH OPHTHALMOPLEGIA; MYOPATHY WITH CONGENITAL JOINT CONTRACTURES, OPHTHALMOPLEGIA, AND RIMMED VACUOLES. Identifiers: Orphanet 363677, Orphanet 79091, MedGen C1854106, MONDO:0011577, OMIM 605637.

Allele frequency attached by ClinVar (database versions not stated): gnomAD 0.00003; TOPMed 0.00003.
gnomAD v4.1: 86 of 1,613,770 alleles (0.0053%); highest among the groups gnomAD compares: Non-Finnish European, 0.007%; no homozygotes.

Submissions (3):

Labcorp Genetics (formerly Invitae), Labcorp
Classification: Uncertain significance for Myopathy, proximal, and ophthalmoplegia. Last evaluated: 2026-01-07. Review status: criteria provided, single submitter. Criteria: Invitae Variant Classification Sherloc (09022015). Collection method: clinical testing. Allele origin: germline.
Comment: This sequence change replaces valine, which is neutral and non-polar, with methionine, which is neutral and non-polar, at codon 1881 of the MYH2 protein (p.Val1881Met). This variant is present in population databases (rs775106499, gnomAD 0.004%). This variant has not been reported in the literature in individuals affected with MYH2-related conditions. ClinVar contains an entry for this variant (Variation ID: 851415). Invitae Evidence Modeling of protein sequence and biophysical properties (such as structural, functional, and spatial information, amino acid conservation, physicochemical variation, residue mobility, and thermodynamic stability) indicates that this missense variant is not expected to disrupt MYH2 protein function with a negative predictive value of 80%. In summary, the available evidence is currently insufficient to determine the role of this variant in disease. Therefore, it has been classified as a Variant of Uncertain Significance.

PreventionGenetics, part of Exact Sciences
Classification: Uncertain significance for MYH2-related condition. Last evaluated: 2023-03-22. Review status: criteria provided, single submitter. Criteria: ACMG Guidelines, 2015. Collection method: clinical testing. Allele origin: germline.
Comment: The MYH2 c.5641G>A variant is predicted to result in the amino acid substitution p.Val1881Met. To our knowledge, this variant has not been reported in the literature. This variant is reported in 0.0044% of alleles in individuals of European (Non-Finnish) descent in gnomAD. At this time, the clinical significance of this variant is uncertain due to the absence of conclusive functional and genetic evidence.

CeGaT Center for Human Genetics Tuebingen
Classification: Uncertain significance. Last evaluated: 2022-06-01. Review status: criteria provided, single submitter. Criteria: CeGaT Center For Human Genetics Tuebingen Variant Classification Criteria Version 2. Collection method: clinical testing. Allele origin: germline. Affected: yes. Observed: 1 variant allele.
Comment: MYH2: PM2, PM3:Supporting, PP3